The following is an entry in ClinVar:

NM_001084.5(PLOD3):c.183_201+9del

Gene: PLOD3 (procollagen-lysine,2-oxoglutarate 5-dioxygenase 3; minus strand). Cytogenetic location: 7q22.1.
Variant type: Deletion.
Coding change: c.183_201+9del on transcript NM_001084.5 (MANE Select); coding-DNA position 183 through 9 bases into the intron after coding-DNA position 201, 28 bases deleted (CTTCAACTACACTGTGCGGGTGAGGAGA).
Molecular consequence: splice donor variant.
Genome position (GRCh38, 1-based): chr7:101,216,686-101,216,713, TCTCCTCACCCGCACAGTGTAGTTGAAG deleted on the plus strand (CTTCAACTACACTGTGCGGGTGAGGAGA on the coding strand, the reverse complement: PLOD3 is on the minus strand). VCF-style (leftmost placement, unchanged base first): chr7-101216685-CTCTCCTCACCCGCACAGTGTAGTTGAAG-C. GRCh37 (hg19) VCF-style: chr7-100859966-CTCTCCTCACCCGCACAGTGTAGTTGAAG-C.
Identifiers: ClinVar variation 3721834 (VCV003721834.2).

ClinVar aggregate classification (germline): Likely pathogenic (1 of 4 stars; one submission).

Submission:

Labcorp Genetics (formerly Invitae), Labcorp
Classification: Likely pathogenic. Last evaluated: 2024-09-29. Review status: criteria provided, single submitter. Criteria: Invitae Variant Classification Sherloc (09022015). Collection method: clinical testing. Allele origin: germline.
Comment: This variant results in the deletion of part of exon 2 (c.183_201+9del) of the PLOD3 gene. It is expected to disrupt RNA splicing. Variants that disrupt the donor or acceptor splice site typically lead to a loss of protein function (PMID: 16199547), and loss-of-function variants in PLOD3 are known to be pathogenic (PMID: 30237576). This variant is not present in population databases (gnomAD no frequency). This variant has not been reported in the literature in individuals affected with PLOD3-related conditions. In summary, the currently available evidence indicates that the variant is pathogenic, but additional data are needed to prove that conclusively. Therefore, this variant has been classified as Likely Pathogenic.

Literature cited by the submitters: PubMed 16199547; PubMed 30237576.